The following is an entry in ClinVar:

ClinVar aggregate classification (germline): Uncertain significance (1 of 4 stars; one submission).

Conditions:
KCNH7-related disorder. Also called: KCNH7-related condition.

Allele frequency attached by ClinVar (database versions not stated): gnomAD exomes below 0.00001.
gnomAD v4.1: 2 of 1,614,040 alleles (0.00012%); highest among the groups gnomAD compares: Non-Finnish European, 0.00017%; no homozygotes.

Submission:

PreventionGenetics, part of Exact Sciences
Classification: Uncertain significance for KCNH7-related condition. Last evaluated: 2026-01-14. Review status: criteria provided, single submitter. Criteria: ACMG Guidelines, 2015. Collection method: clinical testing. Allele origin: germline.
Comment: The KCNH7 c.3020C>G variant is predicted to result in the amino acid substitution p.Ser1007Cys. To our knowledge, this variant has not been reported in the literature or in a large population database (gnomAD), indicating this variant is rare. At this time, the clinical significance of this variant is uncertain due to the absence of conclusive functional and genetic evidence.

NM_033272.4(KCNH7):c.3020C>G (p.Ser1007Cys)

Gene: KCNH7 (potassium voltage-gated channel subfamily H member 7; minus strand). Cytogenetic location: 2q24.2.
Variant type: single nucleotide variant.
Coding change: c.3020C>G on transcript NM_033272.4 (MANE Select); coding-DNA position 3020, C replaced by G.
Protein change: p.Ser1007Cys; replaces serine 1007 with cysteine.
Molecular consequence: missense variant.
Genome position (GRCh38, 1-based): chr2:162,379,964, G>C on the plus strand (C>G on the coding strand, the complement: KCNH7 is on the minus strand). VCF-style: chr2-162379964-G-C. GRCh37 (hg19) VCF-style: chr2-163236474-G-C.
Other names: short protein forms S1007C.
Identifiers: ClinVar variation 2630085 (VCV002630085.2), dbSNP rs1573892185, ClinGen allele CA349000800.
Genomic context (GRCh38, chr2:162,379,964, plus strand): 5'-GTGAGGTCGCTTTCGGTTTCAGAGATACCCCAGGCAGCTCGCTGAAGTGCAGATGGACTG[G>C]AGTCTTCAGGCTGGGGATGTGCATTTTCTCGTTCCCAGCTTCGCATGTCAGTGATATCTG-3'
Protein context (NP_150375.2, residues 997-1017): RENAHPQPED[Ser1007Cys]SPSALQRAAW